The following is an entry in ClinVar:

NM_000719.7(CACNA1C):c.2557A>G (p.Met853Val)

Gene: CACNA1C (calcium voltage-gated channel subunit alpha1 C; plus strand). Cytogenetic location: 12p13.33.
Variant type: single nucleotide variant.
Coding change: c.2557A>G on transcript NM_000719.7 (MANE Select); coding-DNA position 2557, A replaced by G.
Protein change: p.Met853Val; replaces methionine 853 with valine.
Molecular consequence: missense variant.
Genome position (GRCh38, 1-based): chr12:2,593,239, A>G. VCF-style: chr12-2593239-A-G. GRCh37 (hg19) VCF-style: chr12-2702405-A-G.
Other names: c.2557A>G, p.Met853Val (NM_001129827.2, NM_001129829.2, NM_001129830.3 and 18 more transcripts); c.2548A>G, p.Met850Val (NM_001129844.2); short protein forms M850V, M853V.
Identifiers: ClinVar variation 856357 (VCV000856357.10), dbSNP rs2066332475, ClinGen allele CA383372122.
Genomic context (GRCh38, chr12:2,593,239, plus strand): 5'-GGAGTTATTTAGAATGGTGCTGTTCTTCTTACAGGAGAAGAGGATGAGGAGGAGCCAGAG[A>G]TGCCTGTCGGCCCTCGCCCACGACCACTCTCTGAGCTTCACCTTAAGGAAAAGGCAGTGC-3'
Protein context (NP_000710.5, residues 843-863): TGEEDEEEPE[Met853Val]PVGPRPRPLS

ClinVar aggregate classification (germline): Uncertain significance (1 of 4 stars; one submission).

Conditions:
Long QT syndrome (LQTS). Identifiers: MedGen C0023976, MeSH D008133, MONDO:0002442. Disease mechanism: loss of function. Inheritance: Various modes of inheritance.

Submission:

Labcorp Genetics (formerly Invitae), Labcorp
Classification: Uncertain significance for Long QT syndrome. Last evaluated: 2019-12-08. Review status: criteria provided, single submitter. Criteria: Invitae Variant Classification Sherloc (09022015). Collection method: clinical testing. Allele origin: germline.
Comment: Algorithms developed to predict the effect of sequence changes on RNA splicing suggest that this variant may create or strengthen a splice site, but this prediction has not been confirmed by published transcriptional studies. In summary, the available evidence is currently insufficient to determine the role of this variant in disease. Therefore, it has been classified as a Variant of Uncertain Significance. Algorithms developed to predict the effect of missense changes on protein structure and function are either unavailable or do not agree on the potential impact of this missense change (SIFT: "Tolerated"; PolyPhen-2: "Probably Damaging"; Align-GVGD: "Class C0"). This variant has not been reported in the literature in individuals with CACNA1C-related conditions. This variant is not present in population databases (ExAC no frequency). This sequence change replaces methionine with valine at codon 853 of the CACNA1C protein (p.Met853Val). The methionine residue is moderately conserved and there is a small physicochemical difference between methionine and valine.